The following is an entry in ClinVar:

NM_003803.4(MYOM1):c.2384+12G>A

Gene: MYOM1 (myomesin 1; minus strand). Cytogenetic location: 18p11.31.
Variant type: single nucleotide variant.
Coding change: c.2384+12G>A on transcript NM_003803.4 (MANE Select); 12 bases into the intron after coding-DNA position 2384, G replaced by A.
Molecular consequence: intron variant.
Genome position (GRCh38, 1-based): chr18:3,134,638, C>T on the plus strand (G>A on the coding strand, the complement: MYOM1 is on the minus strand). VCF-style: chr18-3134638-C-T. GRCh37 (hg19) VCF-style: chr18-3134636-C-T.
Other names: c.2384+12G>A (NM_019856.2).
Identifiers: ClinVar variation 2742410 (VCV002742410.3), dbSNP rs757507539, ClinGen allele CA8874664.

ClinVar aggregate classification (germline): Uncertain significance (1 of 4 stars; one submission).

Conditions:
Hypertrophic cardiomyopathy. Also called: HYPERTROPHIC MYOCARDIOPATHY. Identifiers: Orphanet 217569, MedGen C0007194, MeSH D002312, MONDO:0005045, HP:0001639.

Allele frequency attached by ClinVar (database versions not stated): TOPMed below 0.00001; ExAC 0.00001; gnomAD 0.00001; gnomAD exomes 0.00002.
gnomAD v4.1: 33 of 1,603,152 alleles (0.0021%); highest among the groups gnomAD compares: Non-Finnish European, 0.0026%; no homozygotes.

Submission:

Labcorp Genetics (formerly Invitae), Labcorp
Classification: Uncertain significance for Hypertrophic cardiomyopathy. Last evaluated: 2025-12-09. Review status: criteria provided, single submitter. Criteria: Invitae Variant Classification Sherloc (09022015). Collection method: clinical testing. Allele origin: germline.
Comment: This sequence change falls in intron 16 of the MYOM1 gene. It does not directly change the encoded amino acid sequence of the MYOM1 protein. This variant is present in population databases (rs757507539, gnomAD 0.0009%). This variant has not been reported in the literature in individuals affected with MYOM1-related conditions. ClinVar contains an entry for this variant (Variation ID: 2742410). Algorithms developed to predict the effect of sequence changes on RNA splicing suggest that this variant may create or strengthen a splice site. In summary, the available evidence is currently insufficient to determine the role of this variant in disease. Therefore, it has been classified as a Variant of Uncertain Significance.